The following is an entry in ClinVar:

NM_001283009.2(RTEL1):c.2736T>G (p.Phe912Leu)

Genes: RTEL1 (regulator of telomere elongation helicase 1; plus strand), RTEL1-TNFRSF6B (RTEL1-TNFRSF6B readthrough (NMD candidate); plus strand). Cytogenetic location: 20q13.33.
Variant type: single nucleotide variant.
Coding change: c.2736T>G on transcript NM_001283009.2 (MANE Select); coding-DNA position 2736, T replaced by G.
Protein change: p.Phe912Leu; replaces phenylalanine 912 with leucine.
Molecular consequence: missense variant. On other transcripts: non-coding transcript variant (1).
Genome position (GRCh38, 1-based): chr20:63,692,888, T>G. VCF-style: chr20-63692888-T-G. GRCh37 (hg19) VCF-style: chr20-62324241-T-G.
Other names: c.2067T>G, p.Phe689Leu (NM_001283010.1); c.2736T>G, p.Phe912Leu (NM_016434.4); c.2808T>G, p.Phe936Leu (NM_032957.5); c.2808T>G (NM_032957.4); short protein forms F689L, F912L, F936L.
Identifiers: ClinVar variation 1061493 (VCV001061493.12), dbSNP rs755652402, ClinGen allele CA9965518.

ClinVar aggregate classification (germline): Uncertain significance. Review status: criteria provided, multiple submitters, no conflicts (2 of 4 stars). 4 submissions from 4 submitters: Uncertain significance (2). 2 of the submissions do not count toward it. Last evaluated 2025-10-27.

Conditions:
Inborn genetic diseases. Identifiers: MedGen C0950123, MeSH D030342.
Dyskeratosis congenita. Identifiers: Orphanet 1775, MedGen C0265965, MONDO:0015780.
RTEL1-related disorder. Also called: RTEL1-related disorders; RTEL1-related condition.
Dyskeratosis congenita, autosomal recessive 5 (DKCB5). Identifiers: MedGen C3554656, MONDO:0014076, OMIM 615190.
Pulmonary fibrosis and/or bone marrow failure, Telomere-related, 3. Also called: PULMONARY FIBROSIS AND/OR BONE MARROW FAILURE SYNDROME, TELOMERE-RELATED, 3. Identifiers: Orphanet 2032, MedGen C4225346, MONDO:0014613, OMIM 616373.

Allele frequency attached by ClinVar (database versions not stated): TOPMed 0.00002; ExAC 0.00002; gnomAD exomes below 0.00001; gnomAD 0.00001.
gnomAD v4.1: 50 of 1,612,516 alleles (0.0031%); highest among the groups gnomAD compares: Non-Finnish European, 0.0042%; no homozygotes.

Submissions (4):

Labcorp Genetics (formerly Invitae), Labcorp
Classification: Uncertain significance for Dyskeratosis congenita, autosomal recessive 5; Pulmonary fibrosis and/or bone marrow failure, Telomere-related, 3. Last evaluated: 2025-10-27. Review status: criteria provided, single submitter. Criteria: Invitae Variant Classification Sherloc (09022015). Collection method: clinical testing. Allele origin: germline.
Comment: This sequence change replaces phenylalanine, which is neutral and non-polar, with leucine, which is neutral and non-polar, at codon 912 of the RTEL1 protein (p.Phe912Leu). This variant is present in population databases (rs755652402, gnomAD 0.002%). This variant has not been reported in the literature in individuals affected with RTEL1-related conditions. ClinVar contains an entry for this variant (Variation ID: 1061493). An algorithm developed to predict the effect of missense changes on protein structure and function (PolyPhen-2) suggests that this variant is likely to be disruptive. In summary, the available evidence is currently insufficient to determine the role of this variant in disease. Therefore, it has been classified as a Variant of Uncertain Significance.

Ambry Genetics
Classification: Uncertain significance for Inborn genetic diseases. Last evaluated: 2025-01-19. Review status: criteria provided, single submitter. Criteria: Ambry Variant Classification Scheme 2023. Collection method: clinical testing. Allele origin: germline.
Comment: The p.F912L variant (also known as c.2736T>G), located in coding exon 28 of the RTEL1 gene, results from a T to G substitution at nucleotide position 2736. The phenylalanine at codon 912 is replaced by leucine, an amino acid with highly similar properties. This amino acid position is conserved. In addition, this alteration is predicted to be tolerated by in silico analysis. Based on the available evidence, the clinical significance of this variant remains unclear.

PreventionGenetics, part of Exact Sciences
Classification: Uncertain significance for RTEL1-related condition. Last evaluated: 2024-04-23. Review status: no assertion criteria provided. Collection method: clinical testing. Allele origin: germline. Not counted in ClinVar's aggregate classification.
Comment: The RTEL1 c.2808T>G variant is predicted to result in the amino acid substitution p.Phe936Leu. To our knowledge, this variant has not been reported in the literature. This variant is reported in 0.00089% of alleles in individuals of European (Non-Finnish) descent in gnomAD. At this time, the clinical significance of this variant is uncertain due to the absence of conclusive functional and genetic evidence.

Natera, Inc.
Classification: Uncertain significance for Dyskeratosis congenita. Last evaluated: 2021-04-01. Review status: no assertion criteria provided. Collection method: clinical testing. Allele origin: germline. Not counted in ClinVar's aggregate classification.